The following is an entry in ClinVar:

ClinVar aggregate classification (germline): Uncertain significance (1 of 4 stars; one submission).

Allele frequency attached by ClinVar (database versions not stated): TOPMed below 0.00001; ExAC 0.00001; gnomAD exomes 0.00001.
gnomAD v4.1: 3 of 1,614,184 alleles (0.00019%); highest among the groups gnomAD compares: East Asian, 0.0045%; no homozygotes.

Submission:

Labcorp Genetics (formerly Invitae), Labcorp
Classification: Uncertain significance. Last evaluated: 2022-07-25. Review status: criteria provided, single submitter. Criteria: Invitae Variant Classification Sherloc (09022015). Collection method: clinical testing. Allele origin: germline.
Comment: In summary, the available evidence is currently insufficient to determine the role of this variant in disease. Therefore, it has been classified as a Variant of Uncertain Significance. Algorithms developed to predict the effect of missense changes on protein structure and function (SIFT, PolyPhen-2, Align-GVGD) all suggest that this variant is likely to be tolerated. This variant has not been reported in the literature in individuals affected with MACF1-related conditions. This variant is present in population databases (rs760403694, gnomAD 0.003%). This sequence change replaces methionine, which is neutral and non-polar, with valine, which is neutral and non-polar, at codon 4441 of the MACF1 protein (p.Met4441Val).

NM_001394062.1(MACF1):c.19498A>G (p.Met6500Val)

Gene: MACF1 (microtubule actin crosslinking factor 1; plus strand). Cytogenetic location: 1p34.3.
Variant type: single nucleotide variant.
Coding change: c.19498A>G on transcript NM_001394062.1 (MANE Select); coding-DNA position 19498, A replaced by G.
Protein change: p.Met6500Val; replaces methionine 6500 with valine.
Molecular consequence: missense variant.
Genome position (GRCh38, 1-based): chr1:39,444,728, A>G. VCF-style: chr1-39444728-A-G. GRCh37 (hg19) VCF-style: chr1-39910400-A-G.
Other names: c.7576A>G, p.Met2526Val (NM_001397473.1); c.13321A>G, p.Met4441Val (NM_012090.5); short protein forms M4441V, M2526V, M6500V.
Identifiers: ClinVar variation 2102442 (VCV002102442.4), dbSNP rs760403694, ClinGen allele CA784145.
Genomic context (GRCh38, chr1:39,444,728, plus strand): 5'-TATTCCCAGCTGAAAGCCAAGGAAGAGACTTATAATCAACTACTTGACAAGGGCAGACTC[A>G]TGCTTCTAAGCCGTGACGACTCTGGGTCTGGCTCCAAGACAGAACAGAGTGTAGCACTTT-3'
Protein context (NP_001380991.1, residues 6490-6510): YNQLLDKGRL[Met6500Val]LLSRDDSGSG